The following is an entry in ClinVar:

NM_000093.5(COL5A1):c.2647-3C>G

Gene: COL5A1 (collagen type V alpha 1 chain; plus strand). Cytogenetic location: 9q34.3.
Variant type: single nucleotide variant.
Coding change: c.2647-3C>G on transcript NM_000093.5 (MANE Select); 3 bases into the intron before coding-DNA position 2647, C replaced by G.
Molecular consequence: intron variant.
Genome position (GRCh38, 1-based): chr9:134,789,152, C>G. VCF-style: chr9-134789152-C-G. GRCh37 (hg19) VCF-style: chr9-137680998-C-G.
Other names: c.2647-3C>G (NM_001278074.1).
Identifiers: ClinVar variation 948625 (VCV000948625.9), dbSNP rs746511717, ClinGen allele CA1139661332.

ClinVar aggregate classification (germline): Uncertain significance (1 of 4 stars; one submission).

Conditions:
Ehlers-Danlos syndrome, classic type, 1 (EDSCL1). Also called: Ehlers-Danlos syndrome, type 1; EHLERS-DANLOS SYNDROME, GRAVIS TYPE; EHLERS-DANLOS SYNDROME, SEVERE CLASSIC TYPE; EDS I; Ehlers-Danlos Syndrome, Classic Type, COL5A1-Related. Identifiers: MedGen C0268335, MONDO:0019567, OMIM 130000.

Submission:

Labcorp Genetics (formerly Invitae), Labcorp
Classification: Uncertain significance for Ehlers-Danlos syndrome, classic type, 1. Last evaluated: 2019-06-17. Review status: criteria provided, single submitter. Criteria: Invitae Variant Classification Sherloc (09022015). Collection method: clinical testing. Allele origin: germline.
Comment: In summary, the available evidence is currently insufficient to determine the role of this variant in disease. Therefore, it has been classified as a Variant of Uncertain Significance. Nucleotide substitutions within the consensus splice site are a relatively common cause of aberrant splicing (PMID: 17576681, 9536098). Algorithms developed to predict the effect of sequence changes on RNA splicing suggest that this variant may disrupt the consensus splice site, but this prediction has not been confirmed by published transcriptional studies. This variant has not been reported in the literature in individuals with COL5A1-related conditions. This variant is not present in population databases (ExAC no frequency). This sequence change falls in intron 31 of the COL5A1 gene. It does not directly change the encoded amino acid sequence of the COL5A1 protein, but it affects a nucleotide within the consensus splice site of the intron.

Literature cited by the submitters: PubMed 17576681; PubMed 9536098.